The following is an entry in ClinVar:

NM_025114.4(CEP290):c.272_276del (p.Val91fs)

Gene: CEP290 (centrosomal protein 290; minus strand). Cytogenetic location: 12q21.32.
Variant type: Deletion.
Coding change: c.272_276del on transcript NM_025114.4 (MANE Select); coding-DNA positions 272 to 276, 5 bases deleted (TAATG; older notation c.272_276delTAATG).
Protein change: p.Val91fs; shifts the reading frame from valine 91.
Molecular consequence: frameshift variant.
Genome position (GRCh38, 1-based): chr12:88,139,166-88,139,170, CATTA deleted on the plus strand (TAATG on the coding strand, the reverse complement: CEP290 is on the minus strand); deleting any 5 consecutive bases within chr12:88,139,166-88,139,171 gives the same sequence; the c. name uses the placement nearest the transcript's 3' end. VCF-style (leftmost placement, unchanged base first): chr12-88139165-TCATTA-T. GRCh37 (hg19) VCF-style: chr12-88532942-TCATTA-T.
Other names: c.272_276delTAATG (NM_025114.3); short protein forms V91fs.
Identifiers: ClinVar variation 1457067 (VCV001457067.9), dbSNP rs2040498071, ClinGen allele CA2052934105.
Genomic context (GRCh38, chr12:88,139,165, plus strand): 5'-TTAATGACAATTACATCCTAGGGAATACAAAAAGACATACCTCCAGTTCATTTTCCAGTT[TCATTA>T]CTTTAGTTTTTAATTGATTTTCTATTTTTTTAAAAAAAAAGAAAAACGTTTTAATTGATT-3'

ClinVar aggregate classification (germline): Pathogenic/Likely pathogenic. Review status: criteria provided, multiple submitters, no conflicts (2 of 4 stars). 4 submissions from 4 submitters: Pathogenic (2); Likely pathogenic (2). Last evaluated 2025-08-12.

Conditions:
Leber congenital amaurosis (LCA). Also called: Leber's amaurosis. Identifiers: Orphanet 65, MedGen C0339527, MeSH D057130, MONDO:0018998.
Bardet-Biedl syndrome 14 (BBS14). Identifiers: Orphanet 110, MedGen C2673874, MONDO:0014442, OMIM 615991.
CEP290-related ciliopathy. Also called: CEP290 ciliopathy. Identifiers: MedGen CN305601, MONDO:0100451.
Meckel-Gruber syndrome. Also called: Dysencephalia splachnocystica; DYSENCEPHALIA SPLANCHNOCYSTICA; GRUBER SYNDROME. Identifiers: Orphanet 564, MedGen C0265215, MONDO:0018921.
Nephronophthisis. Also called: Juvenile Nephronophthisis. Identifiers: Orphanet 655, MedGen C0687120, MONDO:0019005, HP:0000090.
Joubert syndrome. Also called: Familial aplasia of the vermis; JOUBERT-BOLTSHAUSER SYNDROME. Identifiers: Orphanet 475, MedGen C5979921, MONDO:0018772.

Submissions (4):

Myriad Genetics, Inc.
Classification: Pathogenic for CEP290-related ciliopathy. Last evaluated: 2025-08-12. Review status: criteria provided, single submitter. Criteria: Myriad Autosomal Dominant, Autosomal Recessive and X-Linked Classification Criteria (2023). Collection method: clinical testing. Allele origin: unknown.
Comment: NM_025114.3(CEP290):c.272_276del5(V91Efs*5) is expected to be pathogenic in the context of CEP290-related disorders. This variant is predicted to lead to an abnormal or absent protein product due to the creation of a premature termination codon in CEP290, a gene where loss-of-function variants are known to be pathogenic. Please note: this variant was assessed in the context of healthy population screening.

Natera, Inc.
Classification: Likely pathogenic for Leber congenital amaurosis. Last evaluated: 2024-04-15. Review status: criteria provided, single submitter. Criteria: Natera Variant Classification Schema (03/2026). Collection method: clinical testing. Allele origin: germline.
Comment: The c.272_276delTAATG variant in CEP290 is a frameshift variant predicted to shift the reading frame beginning at codon 91 and leads to a stop codon 5 codons downstream. This variant is expected to result in nonsense mediated decay, truncation, or a dysfunctional protein product. This variant is rare in the general population with a frequency below the threshold expected for the associated phenotype(s). Given the available evidence, this variant is classified as Likely Pathogenic.

Baylor Genetics
Classification: Likely pathogenic for Bardet-Biedl syndrome 14. Last evaluated: 2023-11-04. Review status: criteria provided, single submitter. Criteria: ACMG Guidelines, 2015. Collection method: clinical testing. Allele origin: unknown.

Labcorp Genetics (formerly Invitae), Labcorp
Classification: Pathogenic for Joubert syndrome; Meckel-Gruber syndrome; Nephronophthisis. Last evaluated: 2020-11-15. Review status: criteria provided, single submitter. Criteria: Invitae Variant Classification Sherloc (09022015). Collection method: clinical testing. Allele origin: germline.
Comment: This sequence change creates a premature translational stop signal (p.Val91Glufs*5) in the CEP290 gene. It is expected to result in an absent or disrupted protein product. Loss-of-function variants in CEP290 are known to be pathogenic (PMID: 16909394, 17345604, 20690115, 25377065, 28559085). This variant is not present in population databases (ExAC no frequency). This variant has not been reported in the literature in individuals with CEP290-related conditions. For these reasons, this variant has been classified as Pathogenic.

Literature cited by the submitters: PubMed 16909394 (cited by Labcorp Genetics (formerly Invitae), Labcorp); PubMed 17345604 (cited by Labcorp Genetics (formerly Invitae), Labcorp); PubMed 20690115 (cited by Labcorp Genetics (formerly Invitae), Labcorp); PubMed 25377065 (cited by Labcorp Genetics (formerly Invitae), Labcorp); PubMed 28559085 (cited by Labcorp Genetics (formerly Invitae), Labcorp).